The following is an entry in ClinVar:

ClinVar aggregate classification (germline): Benign/Likely benign. Review status: criteria provided, multiple submitters, no conflicts (2 of 4 stars). 3 submissions from 3 submitters: Benign (1); Likely benign (2). Last evaluated 2025-04-20.

Conditions:
Hereditary cancer-predisposing syndrome. Also called: Hereditary Cancer Syndrome; Neoplastic Syndromes, Hereditary; Hereditary neoplastic syndrome; Tumor predisposition. Identifiers: Orphanet 140162, MedGen C0027672, MeSH D009386, MONDO:0015356.
Oligodontia-cancer predisposition syndrome. Also called: TOOTH AGENESIS-COLORECTAL CANCER SYNDROME. Identifiers: Orphanet 300576, MedGen C1837750, MONDO:0012075, OMIM 608615. Disease mechanism: loss of function.

Allele frequency attached by ClinVar (database versions not stated): TOPMed below 0.00001; gnomAD 0.00001.

Submissions (3):

Labcorp Genetics (formerly Invitae), Labcorp
Classification: Likely benign for Oligodontia-cancer predisposition syndrome. Last evaluated: 2025-04-20. Review status: criteria provided, single submitter. Criteria: Invitae Variant Classification Sherloc (09022015). Collection method: clinical testing. Allele origin: germline.

Myriad Genetics, Inc.
Classification: Benign for Oligodontia-cancer predisposition syndrome. Last evaluated: 2024-07-10. Review status: criteria provided, single submitter. Criteria: Myriad Autosomal Dominant, Autosomal Recessive and X-Linked Classification Criteria (2023). Collection method: clinical testing. Allele origin: unknown.
Comment: This variant is considered benign. This variant is a silent/synonymous amino acid change and it is not expected to impact splicing.

Ambry Genetics
Classification: Likely benign for Hereditary cancer-predisposing syndrome. Last evaluated: 2021-10-11. Review status: criteria provided, single submitter. Criteria: Ambry Variant Classification Scheme 2023. Collection method: clinical testing. Allele origin: germline.

NM_004655.4(AXIN2):c.2232A>C (p.Pro744=)

Gene: AXIN2 (axin 2; minus strand). Cytogenetic location: 17q24.1.
Variant type: single nucleotide variant.
Coding change: c.2232A>C on transcript NM_004655.4 (MANE Select); coding-DNA position 2232, A replaced by C.
Protein change: p.Pro744=; no amino-acid change (proline 744 retained).
Molecular consequence: synonymous variant.
Genome position (GRCh38, 1-based): chr17:65,535,631, T>G on the plus strand (A>C on the coding strand, the complement: AXIN2 is on the minus strand). VCF-style: chr17-65535631-T-G. GRCh37 (hg19) VCF-style: chr17-63531749-T-G.
Other names: c.2037A>C, p.Pro679= (NM_001363813.1).
Identifiers: ClinVar variation 700489 (VCV000700489.14), dbSNP rs1453123162, ClinGen allele CA501476038.